The following is an entry in ClinVar:

NM_001174147.2(LMX1B):c.130G>A (p.Val44Met)

Gene: LMX1B (LIM homeobox transcription factor 1 beta; plus strand). Cytogenetic location: 9q33.3.
Variant type: single nucleotide variant.
Coding change: c.130G>A on transcript NM_001174147.2 (MANE Select); coding-DNA position 130, G replaced by A.
Protein change: p.Val44Met; replaces valine 44 with methionine.
Molecular consequence: missense variant.
Genome position (GRCh38, 1-based): chr9:126,614,579, G>A. VCF-style: chr9-126614579-G-A. GRCh37 (hg19) VCF-style: chr9-129376858-G-A.
Other names: c.130G>A, p.Val44Met (NM_001174146.2, NM_002316.4); c.130G>A (NM_002316.3); short protein forms V44M.
Identifiers: ClinVar variation 1027208 (VCV001027208.15), dbSNP rs1017526258, ClinGen allele CA199786994.
Genomic context (GRCh38, chr9:126,614,579, plus strand): 5'-ATGTTGGACGGCATCAAGATGGAGGAGCACGCCCTGCGCCCCGGGCCCGCCACTCTGGGG[G>A]TGCTGCTGGGTGAGTGCGGGGTCGGAACGCCCGAGTGGTCTCGGGCGTGGGATGGGGCGT-3'
Protein context (NP_001167618.1, residues 34-54): ALRPGPATLG[Val44Met]LLGSDCPHPA

ClinVar aggregate classification (germline): Uncertain significance. Review status: criteria provided, multiple submitters, no conflicts (2 of 4 stars). 4 submissions from 4 submitters: Uncertain significance (4). Last evaluated 2026-06-22.

Conditions:
LMX1B-related disorder. Also called: LMX1B-related condition.
Nail-patella-like renal disease. Also called: Focal Segmental Glomerulosclerosis 10; GLOMERULAR BASEMENT MEMBRANE DISEASE, NAIL-PATELLA SYNDROME TYPE. Identifiers: Orphanet 2613, MedGen C0403548, MONDO:0009724, OMIM 256020.
Nail-patella syndrome (NPS). Also called: FONG DISEASE; ONYCHOOSTEODYSPLASIA; TURNER-KIESER SYNDROME. Identifiers: Orphanet 2614, MedGen C0027341, MONDO:0008061, OMIM 161200.

Allele frequency attached by ClinVar (database versions not stated): TOPMed 0.00001; gnomAD 0.00006 and 0.00007.

Submissions (4):

PreventionGenetics, part of Exact Sciences
Classification: Uncertain significance for LMX1B-related condition. Last evaluated: 2026-06-22. Review status: criteria provided, single submitter. Criteria: ACMG Guidelines, 2015. Collection method: clinical testing. Allele origin: germline.
Comment: The LMX1B c.130G>A variant is predicted to result in the amino acid substitution p.Val44Met. To our knowledge, this variant has not been reported in the literature. This variant is reported in 0.0031% of alleles in individuals of Latino descent in gnomAD. At this time, the clinical significance of this variant is uncertain due to the absence of conclusive functional and genetic evidence.

Labcorp Genetics (formerly Invitae), Labcorp
Classification: Uncertain significance. Last evaluated: 2025-04-14. Review status: criteria provided, single submitter. Criteria: Invitae Variant Classification Sherloc (09022015). Collection method: clinical testing. Allele origin: germline.
Comment: This sequence change replaces valine, which is neutral and non-polar, with methionine, which is neutral and non-polar, at codon 44 of the LMX1B protein (p.Val44Met). The frequency data for this variant in the population databases is considered unreliable, as metrics indicate poor data quality at this position in the gnomAD database. This variant has not been reported in the literature in individuals affected with LMX1B-related conditions. ClinVar contains an entry for this variant (Variation ID: 1027208). An algorithm developed to predict the effect of missense changes on protein structure and function (PolyPhen-2) suggests that this variant is likely to be disruptive. In summary, the available evidence is currently insufficient to determine the role of this variant in disease. Therefore, it has been classified as a Variant of Uncertain Significance.

GeneDx
Classification: Uncertain significance. Last evaluated: 2025-03-12. Review status: criteria provided, single submitter. Criteria: GeneDx Variant Classification Process June 2021. Collection method: clinical testing. Allele origin: germline. Affected: yes.
Comment: In silico analysis indicates that this missense variant does not alter protein structure/function; Has not been previously published as pathogenic or benign to our knowledge

Fulgent Genetics
Classification: Uncertain significance for Nail-patella syndrome; Nail-patella-like renal disease. Last evaluated: 2022-04-16. Review status: criteria provided, single submitter. Criteria: ACMG Guidelines, 2015. Collection method: clinical testing. Allele origin: unknown.